The following is an entry in ClinVar:

ClinVar aggregate classification (germline): Uncertain significance. Review status: criteria provided, multiple submitters, no conflicts (2 of 4 stars). 2 submissions from 2 submitters: Uncertain significance (2). Last evaluated 2024-10-17.

Allele frequency attached by ClinVar (database versions not stated): ExAC 0.00001.

Submissions (2):

Ambry Genetics
Classification: Uncertain significance. Last evaluated: 2024-10-17. Review status: criteria provided, single submitter. Criteria: Ambry Variant Classification Scheme 2023. Collection method: clinical testing. Allele origin: germline.
Comment: The p.R369L variant (also known as c.1106G>T), located in coding exon 9 of the FAM175A gene, results from a G to T substitution at nucleotide position 1106. The arginine at codon 369 is replaced by leucine, an amino acid with dissimilar properties. This amino acid position is conserved. In addition, this alteration is predicted to be tolerated by in silico analysis. Since supporting evidence is limited at this time, the clinical significance of this alteration remains unclear.

Labcorp Genetics (formerly Invitae), Labcorp
Classification: Uncertain significance. Last evaluated: 2020-03-09. Review status: criteria provided, single submitter. Criteria: Invitae Variant Classification Sherloc (09022015). Collection method: clinical testing. Allele origin: germline.
Comment: This sequence change replaces arginine with leucine at codon 369 of the ABRAXAS1 protein (p.Arg369Leu). The arginine residue is weakly conserved and there is a moderate physicochemical difference between arginine and leucine. This variant is present in population databases (rs755313466, ExAC 0.01%). This variant has not been reported in the literature in individuals with ABRAXAS1-related conditions. Algorithms developed to predict the effect of missense changes on protein structure and function output the following: SIFT: "Tolerated"; PolyPhen-2: "Benign"; Align-GVGD: "Class C0". The leucine amino acid residue is found in multiple mammalian species, suggesting that this missense change does not adversely affect protein function. These predictions have not been confirmed by published functional studies and their clinical significance is uncertain. In summary, the available evidence is currently insufficient to determine the role of this variant in disease. Therefore, it has been classified as a Variant of Uncertain Significance.

NM_139076.3(ABRAXAS1):c.1106G>T (p.Arg369Leu)

Gene: ABRAXAS1 (abraxas 1, BRCA1 A complex subunit; minus strand). Cytogenetic location: 4q21.23.
Variant type: single nucleotide variant.
Coding change: c.1106G>T on transcript NM_139076.3 (MANE Select); coding-DNA position 1106, G replaced by T.
Protein change: p.Arg369Leu; replaces arginine 369 with leucine.
Molecular consequence: missense variant.
Genome position (GRCh38, 1-based): chr4:83,462,593, C>A on the plus strand (G>T on the coding strand, the complement: ABRAXAS1 is on the minus strand). VCF-style: chr4-83462593-C-A. GRCh37 (hg19) VCF-style: chr4-84383746-C-A.
Other names: c.779G>T, p.Arg260Leu (NM_001345962.2); short protein forms R369L, R260L.
Identifiers: ClinVar variation 943727 (VCV000943727.13), dbSNP rs755313466, ClinGen allele CA2990373.